The following is an entry in ClinVar:

NM_000051.4(ATM):c.8561G>A (p.Arg2854His)

Genes: ATM (ATM serine/threonine kinase; plus strand), C11orf65 (chromosome 11 open reading frame 65; minus strand). Cytogenetic location: 11q22.3.
Variant type: single nucleotide variant.
Coding change: c.8561G>A on transcript NM_000051.4 (MANE Select); coding-DNA position 8561, G replaced by A.
Protein change: p.Arg2854His; replaces arginine 2854 with histidine.
Molecular consequence: missense variant. On other transcripts: intron variant (2).
Genome position (GRCh38, 1-based): chr11:108,345,885, G>A. VCF-style: chr11-108345885-G-A. GRCh37 (hg19) VCF-style: chr11-108216612-G-A.
Other names: c.8561G>A, p.Arg2854His (NM_001351834.2); c.641-36814C>T (NM_001330368.2); c.695-10593C>T (NM_001351110.2); short protein forms R2854H.
Identifiers: ClinVar variation 407565 (VCV000407565.19), dbSNP rs1060501605, ClinGen allele CA16613514.

ClinVar aggregate classification (germline): Uncertain significance. Review status: criteria provided, multiple submitters, no conflicts (2 of 4 stars). 6 submissions from 6 submitters: Uncertain significance (6). Last evaluated 2025-07-30.

Conditions:
Hereditary cancer-predisposing syndrome. Also called: Neoplastic Syndromes, Hereditary; Hereditary Cancer Syndrome; Tumor predisposition; Hereditary neoplastic syndrome. Identifiers: Orphanet 140162, MedGen C0027672, MeSH D009386, MONDO:0015356.
Ataxia-telangiectasia syndrome (AT). Also called: LOUIS-BAR SYNDROME; Cerebello-oculocutaneous telangiectasia; Immunodeficiency with ataxia telangiectasia; Ataxia-telangiectasia, complementation group D; AT, COMPLEMENTATION GROUP C; Ataxia-telangiectasia, complementation group E. Identifiers: Orphanet 100, MedGen C0004135, MONDO:0008840, OMIM 208900.

gnomAD v4.1: 4 of 1,613,664 alleles (0.00025%); highest among the groups gnomAD compares: Non-Finnish European, 0.00025%; no homozygotes.

Submissions (6):

Labcorp Genetics (formerly Invitae), Labcorp
Classification: Uncertain significance for Ataxia-telangiectasia syndrome. Last evaluated: 2025-07-30. Review status: criteria provided, single submitter. Criteria: Invitae Variant Classification Sherloc (09022015). Collection method: clinical testing. Allele origin: germline.
Comment: This sequence change replaces arginine, which is basic and polar, with histidine, which is basic and polar, at codon 2854 of the ATM protein (p.Arg2854His). This variant is present in population databases (no rsID available, gnomAD 0.0009%). This variant has not been reported in the literature in individuals affected with ATM-related conditions. ClinVar contains an entry for this variant (Variation ID: 407565). Invitae Evidence Modeling of protein sequence and biophysical properties (such as structural, functional, and spatial information, amino acid conservation, physicochemical variation, residue mobility, and thermodynamic stability) has been performed for this missense variant. However, the output from this modeling did not meet the statistical confidence thresholds required to predict the impact of this variant on ATM protein function. In summary, the available evidence is currently insufficient to determine the role of this variant in disease. Therefore, it has been classified as a Variant of Uncertain Significance.

Institute for Biomarker Research, Medical Diagnostic Laboratories, L.L.C.
Classification: Uncertain significance for Hereditary cancer-predisposing syndrome. Last evaluated: 2024-06-11. Review status: criteria provided, single submitter. Criteria: ACMG Guidelines, 2015. Collection method: clinical testing. Allele origin: germline.

Ambry Genetics
Classification: Uncertain significance for Hereditary cancer-predisposing syndrome. Last evaluated: 2023-11-20. Review status: criteria provided, single submitter. Criteria: Ambry Variant Classification Scheme 2023. Collection method: clinical testing. Allele origin: germline.
Comment: The p.R2854H variant (also known as c.8561G>A), located in coding exon 57 of the ATM gene, results from a G to A substitution at nucleotide position 8561. The arginine at codon 2854 is replaced by histidine, an amino acid with highly similar properties. This amino acid position is highly conserved in available vertebrate species. In addition, this alteration is predicted to be deleterious by in silico analysis. Since supporting evidence is limited at this time, the clinical significance of this alteration remains unclear.

Blueprint Genetics
Classification: Uncertain significance. Last evaluated: 2020-09-21. Review status: criteria provided, single submitter. Criteria: ACMG Guidelines, 2015. Collection method: clinical testing. Allele origin: germline.

Color Diagnostics, LLC DBA Color Health
Classification: Uncertain significance for Hereditary cancer-predisposing syndrome. Last evaluated: 2019-06-22. Review status: criteria provided, single submitter. Criteria: ACMG Guidelines, 2015. Collection method: clinical testing. Allele origin: germline.

GeneDx
Classification: Uncertain significance. Last evaluated: 2016-10-06. Review status: criteria provided, single submitter. Criteria: GeneDx Variant Classification (06012015). Collection method: clinical testing. Allele origin: germline. Affected: yes.
Comment: This variant is denoted ATM c.8561G>A at the cDNA level, p.Arg2854His (R2854H) at the protein level, and results in the change of an Arginine to a Histidine (CGC>CAC). This variant has not, to our knowledge, been published in the literature as pathogenic or benign. ATM Arg2854His was not observed in approximately 6,500 individuals of European and African American ancestry in the NHLBI Exome Sequencing Project, indicating it is not a common benign variant in these populations. Since Arginine and Histidine share similar properties, this is considered a conservative amino acid substitution. ATM Arg2854His occurs at a position that is conserved across species and is located within the PI3K/PI4K kinase domain (Tavtigian 2009, Stracker 2013). In silico analyses predict that this variant is probably damaging to protein structure and function. Based on currently available information, it is unclear whether ATM Arg2854His is pathogenic or benign. We consider it to be a variant of uncertain significance.

Literature cited by the submitters: PubMed 30287823 (cited by Ambry Genetics).